The following is an entry in ClinVar:

NM_001369.3(DNAH5):c.7647C>A (p.Tyr2549Ter)

Gene: DNAH5 (dynein axonemal heavy chain 5; minus strand). Cytogenetic location: 5p15.2.
Variant type: single nucleotide variant.
Coding change: c.7647C>A on transcript NM_001369.3 (MANE Select); coding-DNA position 7647, C replaced by A.
Protein change: p.Tyr2549Ter; replaces tyrosine 2549 with a stop codon.
Molecular consequence: nonsense.
Genome position (GRCh38, 1-based): chr5:13,809,149, G>T on the plus strand (C>A on the coding strand, the complement: DNAH5 is on the minus strand). VCF-style: chr5-13809149-G-T. GRCh37 (hg19) VCF-style: chr5-13809258-G-T.
Other names: short protein forms Y2549*.
Identifiers: ClinVar variation 4814912 (VCV004814912.1).

ClinVar aggregate classification (germline): Likely pathogenic (1 of 4 stars; one submission).

Conditions:
Primary ciliary dyskinesia. Also called: Ciliary dyskinesia. Identifiers: Orphanet 244, MedGen C0008780, MONDO:0016575, HP:0012265.

Submission:

Natera, Inc.
Classification: Likely pathogenic for Primary ciliary dyskinesia. Last evaluated: 2024-12-14. Review status: criteria provided, single submitter. Criteria: Natera Variant Classification Schema (03/2026). Collection method: clinical testing. Allele origin: germline.
Comment: The c.7647C>A variant in DNAH5 is a nonsense variant predicted to introduce a stop codon at amino acid 2549. This variant is expected to result in nonsense mediated decay, truncation, or a dysfunctional protein product. This variant is rare in the general population with a frequency below the threshold expected for the associated phenotype(s). Given the available evidence, this variant is classified as Likely Pathogenic.